The following is an entry in ClinVar:

ClinVar aggregate classification (germline): Uncertain significance. Review status: criteria provided, multiple submitters, no conflicts (2 of 4 stars). 4 submissions from 4 submitters: Uncertain significance (2). 2 of the submissions do not count toward it. Last evaluated 2020-05-26.

Conditions:
Flexion contracture. Also called: Contractures; Flexion deformity; Contracture. Identifiers: MedGen C0333068, HP:0001371.
Myasthenic syndrome, congenital, 24, presynaptic. Identifiers: MedGen C4748684, MONDO:0032597, OMIM 618198.

Allele frequency attached by ClinVar (database versions not stated): gnomAD 0.00003 and 0.00005; ESP Exome Variant Server 0.00008; TOPMed 0.00008; gnomAD exomes 0.00012 and 0.00025; ExAC 0.00022.
gnomAD v4.1: 190 of 1,614,052 alleles (0.012%); highest among the groups gnomAD compares: South Asian, 0.14%; 3 homozygotes.

Submissions (4):

Victorian Clinical Genetics Services, Murdoch Childrens Research Institute
Classification: Uncertain significance for Myasthenic syndrome, congenital, 24, presynaptic. Last evaluated: 2020-05-26. Review status: criteria provided, single submitter. Criteria: ACMG Guidelines, 2015. Collection method: clinical testing. Allele origin: germline. Inheritance: Autosomal recessive inheritance.
Comment: Based on the classification scheme VCGS_Germline_v1.1.1, this variant is classified as 3C-VUS. Following criteria are met: 0105 - The mechanism of disease for this gene is not clearly established. (N) 0106 - This gene is known to be associated with autosomal recessive disease. (N) 0200 - Variant is predicted to result in a missense amino acid change from tyrosine to cysteine (exon 2). (N) 0251 - Variant is heterozygous. (N) 0304 - Variant is present in gnomAD <0.01 for a recessive condition (63 heterozygotes, 1 homozygote). (P) 0501 - Missense variant consistently predicted to be damaging by multiple in silico tools or highly conserved with a major amino acid change. (P) 0600 - Variant is located in an annotated domain or motif. In myosin head_motor domain (NCBI, PDB, DECIPHER) (N) 0705 - No comparable variants have previous evidence for pathogenicity. (N) 0808 - Previous reports of pathogenicity are conflicting. 1x VUS in ClinVar and seen in a patient cHet with p.(Gly2282Glu). (PMID: 26752647) (N) 1007 - No published functional evidence has been identified for this variant. (N) 1208 - Inheritance information for this variant is not currently available. (N) Legend: (P) - Pathogenic, (N) - Neutral, (B) - Benign

CeGaT Center for Human Genetics Tuebingen
Classification: Uncertain significance. Last evaluated: 2018-03-01. Review status: criteria provided, single submitter. Criteria: CeGaT Center For Human Genetics Tuebingen Variant Classification Criteria Version 2. Collection method: clinical testing. Allele origin: germline. Affected: yes. Observed: 1 variant allele.

OMIM
Classification: Pathogenic for MYASTHENIC SYNDROME, CONGENITAL, 24. Last evaluated: 2018-11-29. Review status: no assertion criteria provided. Collection method: literature only. Allele origin: germline. Not counted in ClinVar's aggregate classification.

Lupski Lab, Baylor-Hopkins CMG, Baylor College of Medicine
Classification: Uncertain significance for Flexion contracture. Review status: no assertion criteria provided. Collection method: research. Allele origin: inherited. Inheritance: Autosomal recessive inheritance. Affected: yes. Observed: 4 variant alleles, 3 heterozygotes, 1 compound heterozygote. Not counted in ClinVar's aggregate classification.

Literature cited by the submitters: PubMed 26752647 (cited by 3 submitters).

NM_006901.4(MYO9A):c.608A>G (p.Tyr203Cys)

Gene: MYO9A (myosin IXA; minus strand). Cytogenetic location: 15q23.
Variant type: single nucleotide variant.
Coding change: c.608A>G on transcript NM_006901.4 (MANE Select); coding-DNA position 608, A replaced by G.
Protein change: p.Tyr203Cys; replaces tyrosine 203 with cysteine.
Molecular consequence: missense variant.
Genome position (GRCh38, 1-based): chr15:72,045,956, T>C on the plus strand (A>G on the coding strand, the complement: MYO9A is on the minus strand). VCF-style: chr15-72045956-T-C. GRCh37 (hg19) VCF-style: chr15-72338297-T-C.
Other names: c.608A>G (NM_006901.3); short protein forms Y203C.
Identifiers: ClinVar variation 590979 (VCV000590979.45), dbSNP rs374155761, ClinGen allele CA7642430.